The following is an entry in ClinVar:

NM_015021.3(ZNF292):c.2915C>T (p.Thr972Met)

Gene: ZNF292 (zinc finger protein 292; plus strand). Cytogenetic location: 6q14.3.
Variant type: single nucleotide variant.
Coding change: c.2915C>T on transcript NM_015021.3 (MANE Select); coding-DNA position 2915, C replaced by T.
Protein change: p.Thr972Met; replaces threonine 972 with methionine.
Molecular consequence: missense variant.
Genome position (GRCh38, 1-based): chr6:87,256,544, C>T. VCF-style: chr6-87256544-C-T. GRCh37 (hg19) VCF-style: chr6-87966262-C-T.
Other names: c.2495C>T, p.Thr832Met (NM_001351444.2); short protein forms T832M, T972M.
Identifiers: ClinVar variation 3058179 (VCV003058179.3), dbSNP rs368065968, ClinGen allele CA3914027.
Genomic context (GRCh38, chr6:87,256,544, plus strand): 5'-GAAAGCAAGAAAACTCAACTGTGGAAGGCAGTGGTGAAGCACTGGTCACAGACTTACATA[C>T]GCCAGTTGAAGATACTTGTAATGATTTGTGTCATCCAGGTTTCCAGGAGAGAAAAGAACA-3'
Protein context (NP_055836.1, residues 962-982): SGEALVTDLH[Thr972Met]PVEDTCNDLC

ClinVar aggregate classification (germline): Likely benign. Review status: criteria provided, single submitter (1 of 4 stars). 2 submissions from 2 submitters: Likely benign (1). 1 of the submissions does not count toward it. Last evaluated 2026-07-01.

Conditions:
ZNF292-related disorder. Also called: ZNF292-related condition.

Allele frequency attached by ClinVar (database versions not stated): ESP Exome Variant Server 0.00008; 1000 Genomes Project 0.00020; 1000 Genomes Project 30x 0.00031.
gnomAD v4.1: 96 of 1,613,384 alleles (0.006%); highest among the groups gnomAD compares: South Asian, 0.059%; 2 homozygotes.

Submissions (2):

CeGaT Center for Human Genetics Tuebingen
Classification: Likely benign. Last evaluated: 2026-07-01. Review status: criteria provided, single submitter. Criteria: CeGaT Center For Human Genetics Tuebingen Variant Classification Criteria Version 2. Collection method: clinical testing. Allele origin: germline. Affected: yes. Observed: 1 variant allele.
Comment: ZNF292: BP4

PreventionGenetics, part of Exact Sciences
Classification: Likely benign for ZNF292-related condition. Last evaluated: 2019-04-05. Review status: no assertion criteria provided. Collection method: clinical testing. Allele origin: germline. Not counted in ClinVar's aggregate classification.
Comment: This variant is classified as likely benign based on ACMG/AMP sequence variant interpretation guidelines (Richards et al. 2015 PMID: 25741868, with internal and published modifications).